The following is an entry in ClinVar:

NM_006269.2(RP1):c.616-1G>C

Gene: RP1 (RP1 axonemal microtubule associated; plus strand). Cytogenetic location: 8q12.1.
Variant type: single nucleotide variant.
Coding change: c.616-1G>C on transcript NM_006269.2 (MANE Select); the canonical splice acceptor site of the intron before coding-DNA position 616, G replaced by C.
Molecular consequence: splice acceptor variant.
Genome position (GRCh38, 1-based): chr8:54,622,116, G>C. VCF-style: chr8-54622116-G-C. GRCh37 (hg19) VCF-style: chr8-55534676-G-C.
Other names: c.616-1G>C (NM_001375654.1).
Identifiers: ClinVar variation 3348682 (VCV003348682.1).

ClinVar aggregate classification (germline): Likely pathogenic (0 of 4 stars; one submission).

Conditions:
RP1-related disorder. Also called: RP1-related condition.

Submission:

PreventionGenetics, part of Exact Sciences
Classification: Likely pathogenic for RP1-related condition. Last evaluated: 2024-05-30. Review status: no assertion criteria provided. Collection method: clinical testing. Allele origin: germline.
Comment: The RP1 c.616-1G>C variant is predicted to disrupt the AG splice acceptor site and interfere with normal splicing. To our knowledge, this variant has not been reported in the literature or in a large population database, indicating this variant is rare. Variants that disrupt the consensus splice acceptor site in RP1 are expected to be pathogenic. This variant is interpreted as likely pathogenic.